The following is an entry in ClinVar:

NM_176806.4(MOCS2):c.-8_15del (p.Met1fs)

Genes: MOCS2 (molybdenum cofactor synthesis 2; minus strand), LOC129993881 (ATAC-STARR-seq lymphoblastoid silent region 16005; plus strand). Cytogenetic location: 5q11.2.
Variant type: Deletion.
Coding change: c.-8_15del on transcript NM_176806.4 (MANE Plus Clinical); 8 bases upstream of the start codon through coding-DNA position 15, 23 bases deleted (TAGGCGGGATGGTGCCGCTGTGC).
Protein change: p.Met1fs; shifts the reading frame from methionine 1.
Molecular consequence: frameshift variant, initiator codon variant. On other transcripts: 5 prime UTR variant (1).
Genome position (GRCh38, 1-based): chr5:53,109,715-53,109,737, GCACAGCGGCACCATCCCGCCTA deleted on the plus strand (TAGGCGGGATGGTGCCGCTGTGC on the coding strand, the reverse complement: MOCS2 is on the minus strand); deleting any 23 consecutive bases within chr5:53,109,715-53,109,738 gives the same sequence; the c. name uses the placement nearest the transcript's 3' end. VCF-style (leftmost placement, unchanged base first): chr5-53109714-GGCACAGCGGCACCATCCCGCCTA-G. GRCh37 (hg19) VCF-style: chr5-52405544-GGCACAGCGGCACCATCCCGCCTA-G.
Other names: c.-656_-634del (NM_004531.5); short protein forms M1fs.
Identifiers: ClinVar variation 6116 (VCV000006116.6), dbSNP rs397518417, ClinGen allele CA117952.
Genomic context (GRCh38, chr5:53,109,714, plus strand): 5'-AGAGACACGTCGAGGAGGGCTCCGCACCCAGGCCCGCACGCACACCCGCCACCCTTACCT[GGCACAGCGGCACCATCCCGCCTA>G]GGACAGCGGGACCGAATCACGGCCGCAAAGGCGCAGGCGCGGGCTCACCCGGAGCGCAGG-3'

ClinVar aggregate classification (germline): Likely pathogenic. Review status: criteria provided, single submitter (1 of 4 stars). 2 submissions from 2 submitters: Likely pathogenic (1). 1 of the submissions does not count toward it. Last evaluated 2023-07-05.

Conditions:
Sulfite oxidase deficiency due to molybdenum cofactor deficiency type B1 (MOCODB1). Also called: Molybdenum cofactor deficiency B; MOLYBDENUM COFACTOR DEFICIENCY, TYPE B1; Molybdenum cofactor deficiency, complementation group B; Sulfite oxidase deficiency due to molybdenum cofactor deficiency type B. Identifiers: Orphanet 308393, Orphanet 833, MedGen C6065887, MONDO:0009644, OMIM 252160.

Submissions (2):

Greenwood Genetic Center Diagnostic Laboratories, Greenwood Genetic Center
Classification: Likely pathogenic for Sulfite oxidase deficiency due to molybdenum cofactor deficiency type B1. Last evaluated: 2023-07-05. Review status: criteria provided, single submitter. Criteria: ACMG Guidelines, 2015. Collection method: clinical testing. Allele origin: germline. Affected: yes.
Comment: PVS1, PM2

OMIM
Classification: Pathogenic for MOLYBDENUM COFACTOR DEFICIENCY, TYPE B1. Last evaluated: 2006-11-01. Review status: no assertion criteria provided. Collection method: literature only. Allele origin: germline. Not counted in ClinVar's aggregate classification.

Literature cited by the submitters: PubMed 16737835 (cited by OMIM).